The following is an entry in ClinVar:

NM_001127392.3(MYRF):c.1659C>G (p.Thr553=)

Gene: MYRF (myelin regulatory factor; plus strand). Cytogenetic location: 11q12.2.
Variant type: single nucleotide variant.
Coding change: c.1659C>G on transcript NM_001127392.3 (MANE Select); coding-DNA position 1659, C replaced by G.
Protein change: p.Thr553=; no amino-acid change (threonine 553 retained).
Molecular consequence: synonymous variant.
Genome position (GRCh38, 1-based): chr11:61,777,332, C>G. VCF-style: chr11-61777332-C-G. GRCh37 (hg19) VCF-style: chr11-61544804-C-G.
Other names: c.1632C>G, p.Thr544= (NM_013279.4).
Identifiers: ClinVar variation 2641835 (VCV002641835.26), dbSNP rs144177087, ClinGen allele CA6037938.

ClinVar aggregate classification (germline): Likely benign. Review status: criteria provided, multiple submitters, no conflicts (2 of 4 stars). 3 submissions from 3 submitters: Likely benign (3). Last evaluated 2025-02-16.

Allele frequency attached by ClinVar (database versions not stated): 1000 Genomes Project 0.00100; 1000 Genomes Project 30x 0.00109; ESP Exome Variant Server 0.00192; gnomAD 0.00217.
gnomAD v4.1: 1,891 of 1,613,554 alleles (0.12%); highest among the groups gnomAD compares: African/African-American, 0.5%; 5 homozygotes.

Submissions (3):

Laboratory of Genetics, Children's Clinical University Hospital Latvia
Classification: Likely benign. Last evaluated: 2025-02-16. Review status: criteria provided, single submitter. Criteria: ACMG Guidelines, 2015. Collection method: clinical testing. Allele origin: germline. Affected: yes.

Blueprint Genetics
Classification: Likely benign. Last evaluated: 2024-11-21. Review status: criteria provided, single submitter. Criteria: ACMG Guidelines, 2015. Collection method: clinical testing. Allele origin: germline.

CeGaT Center for Human Genetics Tuebingen
Classification: Likely benign. Last evaluated: 2023-08-01. Review status: criteria provided, single submitter. Criteria: CeGaT Center For Human Genetics Tuebingen Variant Classification Criteria Version 2. Collection method: clinical testing. Allele origin: germline. Affected: yes. Observed: 1 variant allele.
Comment: MYRF: BP4, BP7